The following is an entry in ClinVar:

NM_002439.5(MSH3):c.2971T>G (p.Tyr991Asp)

Gene: MSH3 (mutS homolog 3; plus strand). Cytogenetic location: 5q14.1.
Variant type: single nucleotide variant.
Coding change: c.2971T>G on transcript NM_002439.5 (MANE Select); coding-DNA position 2971, T replaced by G.
Protein change: p.Tyr991Asp; replaces tyrosine 991 with aspartic acid.
Molecular consequence: missense variant.
Genome position (GRCh38, 1-based): chr5:80,854,287, T>G. VCF-style: chr5-80854287-T-G. GRCh37 (hg19) VCF-style: chr5-80150106-T-G.
Other names: c.2971T>G (NM_002439.3); short protein forms Y991D.
Identifiers: ClinVar variation 2096996 (VCV002096996.6), dbSNP rs2478771971, ClinGen allele CA360275801.
Genomic context (GRCh38, chr5:80,854,287, plus strand): 5'-TTGGTTATCTTGGATGAACTAGGAAGAGGGACGAGCACTCATGATGGAATTGCCATTGCC[T>G]ATGCTACACTTGAGTATTTCATCAGAGATGTAAGTATCCGGTAAACTGTATTTAAAAAGA-3'
Protein context (NP_002430.3, residues 981-1001): TSTHDGIAIA[Tyr991Asp]ATLEYFIRDV

ClinVar aggregate classification (germline): Uncertain significance. Review status: criteria provided, multiple submitters, no conflicts (2 of 4 stars). 2 submissions from 2 submitters: Uncertain significance (2). Last evaluated 2023-03-15.

Conditions:
Hereditary cancer-predisposing syndrome. Also called: Hereditary neoplastic syndrome; Neoplastic Syndromes, Hereditary; Tumor predisposition; Hereditary Cancer Syndrome. Identifiers: Orphanet 140162, MedGen C0027672, MeSH D009386, MONDO:0015356.

Submissions (2):

Ambry Genetics
Classification: Uncertain significance for Hereditary cancer-predisposing syndrome. Last evaluated: 2023-03-15. Review status: criteria provided, single submitter. Criteria: Ambry Variant Classification Scheme 2023. Collection method: clinical testing. Allele origin: germline.
Comment: The p.Y991D variant (also known as c.2971T>G), located in coding exon 21 of the MSH3 gene, results from a T to G substitution at nucleotide position 2971. The tyrosine at codon 991 is replaced by aspartic acid, an amino acid with highly dissimilar properties. This amino acid position is conserved. In addition, this alteration is predicted to be deleterious by in silico analysis. Since supporting evidence is limited at this time, the clinical significance of this alteration remains unclear.

Labcorp Genetics (formerly Invitae), Labcorp
Classification: Uncertain significance. Last evaluated: 2022-02-11. Review status: criteria provided, single submitter. Criteria: Invitae Variant Classification Sherloc (09022015). Collection method: clinical testing. Allele origin: germline.
Comment: In summary, the available evidence is currently insufficient to determine the role of this variant in disease. Therefore, it has been classified as a Variant of Uncertain Significance. Algorithms developed to predict the effect of missense changes on protein structure and function are either unavailable or do not agree on the potential impact of this missense change (SIFT: "Deleterious"; PolyPhen-2: "Probably Damaging"; Align-GVGD: "Class C0"). This variant has not been reported in the literature in individuals affected with MSH3-related conditions. This variant is not present in population databases (gnomAD no frequency). This sequence change replaces tyrosine, which is neutral and polar, with aspartic acid, which is acidic and polar, at codon 991 of the MSH3 protein (p.Tyr991Asp).